The following is an entry in ClinVar:

NM_024757.5(EHMT1):c.2839G>A (p.Ala947Thr)

Gene: EHMT1 (euchromatic histone lysine methyltransferase 1; plus strand). Cytogenetic location: 9q34.3.
Variant type: single nucleotide variant.
Coding change: c.2839G>A on transcript NM_024757.5 (MANE Select); coding-DNA position 2839, G replaced by A.
Protein change: p.Ala947Thr; replaces alanine 947 with threonine.
Molecular consequence: missense variant.
Genome position (GRCh38, 1-based): chr9:137,811,587, G>A. VCF-style: chr9-137811587-G-A. GRCh37 (hg19) VCF-style: chr9-140706039-G-A.
Other names: c.2818G>A, p.Ala940Thr (NM_001354263.2); short protein forms A947T, A940T.
Identifiers: ClinVar variation 210922 (VCV000210922.19), dbSNP rs797045555, ClinGen allele CA205821.

ClinVar aggregate classification (germline): Conflicting classifications of pathogenicity. Review status: criteria provided, conflicting classifications (1 of 4 stars). 3 submissions from 3 submitters: Uncertain significance (2); Likely benign (1). Last evaluated 2024-12-07.

Conditions:
Kleefstra syndrome 1 (KLEFS1). Identifiers: Orphanet 261494, MedGen C0795833, MONDO:0027407, OMIM 610253.

Allele frequency attached by ClinVar (database versions not stated): gnomAD exomes below 0.00001 and 0.00001; TOPMed below 0.00001.
gnomAD v4.1: 11 of 1,604,524 alleles (0.00069%); highest among the groups gnomAD compares: South Asian, 0.0022%; no homozygotes.

Submissions (3):

Labcorp Genetics (formerly Invitae), Labcorp
Classification: Likely benign for Kleefstra syndrome 1. Last evaluated: 2024-12-07. Review status: criteria provided, single submitter. Criteria: Invitae Variant Classification Sherloc (09022015). Collection method: clinical testing. Allele origin: germline.

UNC Molecular Genetics  Laboratory, University of North Carolina at Chapel Hill
Classification: Uncertain significance for Kleefstra syndrome 1. Last evaluated: 2021-06-02. Review status: criteria provided, single submitter. Criteria: ACMG Guidelines, 2015. Collection method: research. Allele origin: maternal. Observed: 1 variant allele. Study: CSER_NCGENES_2.
Comment: The EHMT1 c.2839G>A p.(Ala947Thr) variant is predicted to change a single amino acid in the encoded protein from an alanine to threonine. To our knowledge, this variant has not been previously reported in affected individuals in the literature. This is a rare variant and is observed in gnomAD v2.1.1 with a total minor allele frequency of 0.0004% (1 allele/243,472 alleles). Computational predictions and conservation analyses suggest that this variant may be damaging to protein function, but this information is not sufficient to prove pathogenicity. Considering the available evidence, this variant is classified as a variant of uncertain significance.

Genetic Services Laboratory, University of Chicago
Classification: Uncertain significance. Last evaluated: 2014-07-18. Review status: criteria provided, single submitter. Criteria: ACMG Guidelines, 2015. Collection method: clinical testing. Allele origin: germline.